The following is an entry in ClinVar:

NM_203447.4(DOCK8):c.4241+185G>C

Gene: DOCK8 (dedicator of cytokinesis 8; plus strand). Cytogenetic location: 9p24.3.
Variant type: single nucleotide variant.
Coding change: c.4241+185G>C on transcript NM_203447.4 (MANE Select); 185 bases into the intron after coding-DNA position 4241, G replaced by C.
Molecular consequence: intron variant.
Genome position (GRCh38, 1-based): chr9:422,320, G>C. VCF-style: chr9-422320-G-C. GRCh37 (hg19) VCF-style: chr9-422320-G-C.
Other names: c.4037+185G>C (NM_001193536.2); c.3941+185G>C (NM_001190458.2).
Identifiers: ClinVar variation 677824 (VCV000677824.1), dbSNP rs111753107, ClinGen allele CA187792626.

ClinVar aggregate classification (germline): Likely benign (1 of 4 stars; one submission).

Allele frequency attached by ClinVar (database versions not stated): gnomAD 0.01426 and 0.01521; TOPMed 0.01621; 1000 Genomes Project 0.01637; 1000 Genomes Project 30x 0.01765.
gnomAD v4.1: 2,146 of 152,226 alleles (1.4%); highest among the groups gnomAD compares: African/African-American, 4.9%; 55 homozygotes.

Submission:

GeneDx
Classification: Likely benign. Last evaluated: 2018-06-16. Review status: criteria provided, single submitter. Criteria: GeneDx Variant Classification (06012015). Collection method: clinical testing. Allele origin: germline. Affected: yes.
Comment: This variant is considered likely benign or benign based on one or more of the following criteria: it is a conservative change, it occurs at a poorly conserved position in the protein, it is predicted to be benign by multiple in silico algorithms, and/or has population frequency not consistent with disease.